The following is an entry in ClinVar:

NM_015650.4(TRAF3IP1):c.988-3A>G

Gene: TRAF3IP1 (TRAF3 interacting protein 1; plus strand). Cytogenetic location: 2q37.3.
Variant type: single nucleotide variant.
Coding change: c.988-3A>G on transcript NM_015650.4 (MANE Select); 3 bases into the intron before coding-DNA position 988, A replaced by G.
Molecular consequence: intron variant.
Genome position (GRCh38, 1-based): chr2:238,333,957, A>G. VCF-style: chr2-238333957-A-G. GRCh37 (hg19) VCF-style: chr2-239242598-A-G.
Other names: c.988-3A>G (NM_001139490.1).
Identifiers: ClinVar variation 2019175 (VCV002019175.4), dbSNP rs2469633773, ClinGen allele CA2580067944.

ClinVar aggregate classification (germline): Uncertain significance (1 of 4 stars; one submission).

Submission:

Labcorp Genetics (formerly Invitae), Labcorp
Classification: Uncertain significance. Last evaluated: 2022-07-25. Review status: criteria provided, single submitter. Criteria: Invitae Variant Classification Sherloc (09022015). Collection method: clinical testing. Allele origin: germline.
Comment: In summary, the available evidence is currently insufficient to determine the role of this variant in disease. Therefore, it has been classified as a Variant of Uncertain Significance. Variants that disrupt the consensus splice site are a relatively common cause of aberrant splicing (PMID: 17576681, 9536098). Algorithms developed to predict the effect of sequence changes on RNA splicing suggest that this variant may disrupt the consensus splice site. This variant has not been reported in the literature in individuals affected with TRAF3IP1-related conditions. This variant is not present in population databases (gnomAD no frequency). This sequence change falls in intron 6 of the TRAF3IP1 gene. It does not directly change the encoded amino acid sequence of the TRAF3IP1 protein. It affects a nucleotide within the consensus splice site.

Literature cited by the submitters: PubMed 17576681; PubMed 9536098.